The following is an entry in ClinVar:

ClinVar aggregate classification (germline): Uncertain significance (1 of 4 stars; one submission).

Submission:

Labcorp Genetics (formerly Invitae), Labcorp
Classification: Uncertain significance. Last evaluated: 2025-10-09. Review status: criteria provided, single submitter. Criteria: Invitae Variant Classification Sherloc (09022015). Collection method: clinical testing. Allele origin: germline.
Comment: This sequence change replaces aspartic acid, which is acidic and polar, with glycine, which is neutral and non-polar, at codon 92 of the HMOX1 protein (p.Asp92Gly). This variant is not present in population databases (gnomAD no frequency). This variant has not been reported in the literature in individuals affected with HMOX1-related conditions. An algorithm developed to predict the effect of missense changes on protein structure and function (PolyPhen-2) suggests that this variant is likely to be disruptive. In summary, the available evidence is currently insufficient to determine the role of this variant in disease. Therefore, it has been classified as a Variant of Uncertain Significance.

NM_002133.3(HMOX1):c.275A>G (p.Asp92Gly)

Gene: HMOX1 (heme oxygenase 1; plus strand). Cytogenetic location: 22q12.3.
Variant type: single nucleotide variant.
Coding change: c.275A>G on transcript NM_002133.3 (MANE Select); coding-DNA position 275, A replaced by G.
Protein change: p.Asp92Gly; replaces aspartic acid 92 with glycine.
Molecular consequence: missense variant.
Genome position (GRCh38, 1-based): chr22:35,386,815, A>G. VCF-style: chr22-35386815-A-G. GRCh37 (hg19) VCF-style: chr22-35782808-A-G.
Other names: short protein forms D92G.
Identifiers: ClinVar variation 4767527 (VCV004767527.1).
Genomic context (GRCh38, chr22:35,386,815, plus strand): 5'-CAGTCTTCGCCCCTGTCTACTTCCCAGAAGAGCTGCACCGCAAGGCTGCCCTGGAGCAGG[A>G]CCTGGCCTTCTGGTACGGGCCCCGCTGGCAGGAGGTCATCCCCTACACACCAGCCATGCA-3'
Protein context (NP_002124.1, residues 82-102): ELHRKAALEQ[Asp92Gly]LAFWYGPRWQ